The following is an entry in ClinVar:

NM_138576.4(BCL11B):c.1800G>T (p.Glu600Asp)

Gene: BCL11B (BCL11 transcription factor B; minus strand). Cytogenetic location: 14q32.2.
Variant type: single nucleotide variant.
Coding change: c.1800G>T on transcript NM_138576.4 (MANE Select); coding-DNA position 1800, G replaced by T.
Protein change: p.Glu600Asp; replaces glutamic acid 600 with aspartic acid.
Molecular consequence: missense variant.
Genome position (GRCh38, 1-based): chr14:99,175,036, C>A on the plus strand (G>T on the coding strand, the complement: BCL11B is on the minus strand). VCF-style: chr14-99175036-C-A. GRCh37 (hg19) VCF-style: chr14-99641373-C-A.
Other names: c.1797G>T, p.Glu599Asp (NM_001282237.2); c.1584G>T, p.Glu528Asp (NM_001282238.2); c.1587G>T, p.Glu529Asp (NM_022898.3); short protein forms E599D, E600D, E528D, E529D.
Identifiers: ClinVar variation 1970864 (VCV001970864.5), dbSNP rs1395942095, ClinGen allele CA390934584.

ClinVar aggregate classification (germline): Uncertain significance (1 of 4 stars; one submission).

gnomAD v4.1: 6 of 1,597,498 alleles (0.00038%); highest among the groups gnomAD compares: African/African-American, 0.0013%; 1 homozygote.

Submission:

Labcorp Genetics (formerly Invitae), Labcorp
Classification: Uncertain significance. Last evaluated: 2022-08-07. Review status: criteria provided, single submitter. Criteria: Invitae Variant Classification Sherloc (09022015). Collection method: clinical testing. Allele origin: germline.
Comment: This sequence change replaces glutamic acid, which is acidic and polar, with aspartic acid, which is acidic and polar, at codon 600 of the BCL11B protein (p.Glu600Asp). In summary, the available evidence is currently insufficient to determine the role of this variant in disease. Therefore, it has been classified as a Variant of Uncertain Significance. Algorithms developed to predict the effect of missense changes on protein structure and function are either unavailable or do not agree on the potential impact of this missense change (SIFT: "Deleterious"; PolyPhen-2: "Possibly Damaging"; Align-GVGD: "Class C0"). This variant has not been reported in the literature in individuals affected with BCL11B-related conditions. This variant is present in population databases (no rsID available, gnomAD 0.007%).